The following is an entry in ClinVar:

NM_173495.3(PTCHD1):c.808C>T (p.Arg270Cys)

Gene: PTCHD1 (patched domain containing 1; plus strand). Cytogenetic location: Xp22.11.
Variant type: single nucleotide variant.
Coding change: c.808C>T on transcript NM_173495.3 (MANE Select); coding-DNA position 808, C replaced by T.
Protein change: p.Arg270Cys; replaces arginine 270 with cysteine.
Molecular consequence: missense variant.
Genome position (GRCh38, 1-based): chrX:23,380,047, C>T. VCF-style: chrX-23380047-C-T. GRCh37 (hg19) VCF-style: chrX-23398164-C-T.
Other names: short protein forms R270C.
Identifiers: ClinVar variation 1254015 (VCV001254015.2), dbSNP rs745672569, ClinGen allele CA10369071.

ClinVar aggregate classification (germline): Uncertain significance (1 of 4 stars; one submission).

Allele frequency attached by ClinVar (database versions not stated): gnomAD exomes below 0.00001 and 0.00001; ExAC 0.00001.
gnomAD v4.1: 4 of 1,211,700 alleles (0.00033%); highest among the groups gnomAD compares: East Asian, 0.003%; no homozygotes.

Submission:

GeneDx
Classification: Uncertain significance. Last evaluated: 2021-04-26. Review status: criteria provided, single submitter. Criteria: GeneDx Variant Classification Process June 2021. Collection method: clinical testing. Allele origin: germline. Affected: yes.
Comment: Reported in a patient with neurodevelopmental disorders in published literature, however detailed clinical and segregation information was not provided (Zhang et al., 2021); In silico analysis supports that this missense variant does not alter protein structure/function; This variant is associated with the following publications: (PMID: 33860439)